The following is an entry in ClinVar:

NM_001875.5(CPS1):c.237-1175T>C

Gene: CPS1 (carbamoyl-phosphate synthase 1; plus strand). Cytogenetic location: 2q34.
Variant type: single nucleotide variant.
Coding change: c.237-1175T>C on transcript NM_001875.5 (MANE Select); 1175 bases into the intron before coding-DNA position 237, T replaced by C.
Molecular consequence: intron variant.
Genome position (GRCh38, 1-based): chr2:210,575,171, T>C. VCF-style: chr2-210575171-T-C. GRCh37 (hg19) VCF-style: chr2-211439895-T-C.
Other names: NR_161225.1:n.1149-1175T>C; c.237-1175T>C (NM_001369257.1, NM_001122633.3); c.270-1175T>C (NM_001369256.1).
Identifiers: ClinVar variation 4819572 (VCV004819572.1).

ClinVar aggregate classification (germline): Likely pathogenic (1 of 4 stars; one submission).

Conditions:
Congenital hyperammonemia, type I. Also called: Carbamoyl phosphate synthetase I deficiency disease; CPS I DEFICIENCY; Carbamoyl-phosphate synthase I deficiency; Carbamoyl phosphate synthetase 1 deficiency; Hyperammonemia due to carbamoyl phosphate synthetase 1 deficiency; CPS 1 deficiency. Identifiers: Orphanet 147, MedGen C4082171, MONDO:0009376, OMIM 237300.

Submission:

Broad Center for Mendelian Genomics, Broad Institute of MIT and Harvard
Classification: Likely pathogenic for Congenital hyperammonemia, type I. Last evaluated: 2026-03-04. Review status: criteria provided, single submitter. Criteria: ACMG Guidelines, 2015. Collection method: research. Allele origin: germline. Inheritance: Autosomal recessive inheritance. Study: GREGoR Consortium.
Comment: The c.237-1175T>C variant in CPS1 has not been previously reported in individuals with carbamoyl phosphate synthetase I deficiency disease and was absent from large population studies. The variant was identified by whole genome sequencing in an individual with hyperammonemia, low citrulline, and suspected CPS1 deficiency who harbored a second likely pathogenic variant in CPS1 (Broad Institute Rare Genomes Project). A high-throughput splicing assay and mini-gene assay analysis confirmed the incorporation of a pseudoexon leading to frameshift and the introduction of a premature stop codon, which would then lead to an abnormal or absent protein. Loss of function of the CPS1 gene is an established disease mechanism in autosomal recessive carbamoyl phosphate synthetase I deficiency disease. In summary, although additional studies are required to fully establish its clinical significance, this variant meets criteria to be classified as likely pathogenic for autosomal recessive carbamoyl phosphate synthetase I deficiency disease. ACMG/AMP Criteria applied: PP4-strong, PVS1_moderate, PM2_supporting.